The following is an entry in ClinVar:

ClinVar aggregate classification (germline): Uncertain significance (1 of 4 stars; one submission).

Allele frequency attached by ClinVar (database versions not stated): gnomAD 0.00001.
gnomAD v4.1: 1 of 1,600,728 alleles (0.000062%); highest among the groups gnomAD compares: African/African-American, 0.0014%; no homozygotes.

Submission:

GeneDx
Classification: Uncertain significance. Last evaluated: 2022-12-01. Review status: criteria provided, single submitter. Criteria: GeneDx Variant Classification Process June 2021. Collection method: clinical testing. Allele origin: germline. Affected: yes.
Comment: Not observed at significant frequency in large population cohorts (gnomAD); In silico analysis supports that this missense variant has a deleterious effect on protein structure/function; Has not been previously published as pathogenic or benign to our knowledge

NM_001080449.3(DNA2):c.1778A>G (p.Asp593Gly)

Gene: DNA2 (DNA replication helicase/nuclease 2; minus strand). Cytogenetic location: 10q21.3.
Variant type: single nucleotide variant.
Coding change: c.1778A>G on transcript NM_001080449.3 (MANE Select); coding-DNA position 1778, A replaced by G.
Protein change: p.Asp593Gly; replaces aspartic acid 593 with glycine.
Molecular consequence: missense variant. On other transcripts: non-coding transcript variant (1).
Genome position (GRCh38, 1-based): chr10:68,432,301, T>C on the plus strand (A>G on the coding strand, the complement: DNA2 is on the minus strand). VCF-style: chr10-68432301-T-C. GRCh37 (hg19) VCF-style: chr10-70192058-T-C.
Other names: short protein forms D593G.
Identifiers: ClinVar variation 1801972 (VCV001801972.1), dbSNP rs1327705908, ClinGen allele CA376857261.